The following is an entry in ClinVar:

ClinVar aggregate classification (germline): Uncertain significance. Review status: criteria provided, multiple submitters, no conflicts (2 of 4 stars). 2 submissions from 2 submitters: Uncertain significance (2). Last evaluated 2024-08-09.

Conditions:
Inborn genetic diseases. Identifiers: MedGen C0950123, MeSH D030342.

gnomAD v4.1: 3 of 1,612,300 alleles (0.00019%); highest among the groups gnomAD compares: African/African-American, 0.0027%; no homozygotes.

Submissions (2):

Labcorp Genetics (formerly Invitae), Labcorp
Classification: Uncertain significance. Last evaluated: 2024-08-09. Review status: criteria provided, single submitter. Criteria: Invitae Variant Classification Sherloc (09022015). Collection method: clinical testing. Allele origin: germline.
Comment: This sequence change replaces alanine, which is neutral and non-polar, with valine, which is neutral and non-polar, at codon 980 of the TTC37 protein (p.Ala980Val). This variant is not present in population databases (gnomAD no frequency). This variant has not been reported in the literature in individuals affected with TTC37-related conditions. An algorithm developed to predict the effect of missense changes on protein structure and function (PolyPhen-2) suggests that this variant is likely to be disruptive. In summary, the available evidence is currently insufficient to determine the role of this variant in disease. Therefore, it has been classified as a Variant of Uncertain Significance.

Ambry Genetics
Classification: Uncertain significance for Inborn genetic diseases. Last evaluated: 2024-07-15. Review status: criteria provided, single submitter. Criteria: Ambry Variant Classification Scheme 2023. Collection method: clinical testing. Allele origin: germline.

NM_014639.4(SKIC3):c.2939C>T (p.Ala980Val)

Gene: SKIC3 (SKI3 subunit of superkiller complex; minus strand). Cytogenetic location: 5q15.
Variant type: single nucleotide variant.
Coding change: c.2939C>T on transcript NM_014639.4 (MANE Select); coding-DNA position 2939, C replaced by T.
Protein change: p.Ala980Val; replaces alanine 980 with valine.
Molecular consequence: missense variant.
Genome position (GRCh38, 1-based): chr5:95,509,669, G>A on the plus strand (C>T on the coding strand, the complement: SKIC3 is on the minus strand). VCF-style: chr5-95509669-G-A. GRCh37 (hg19) VCF-style: chr5-94845373-G-A.
Other names: short protein forms A980V.
Identifiers: ClinVar variation 3442333 (VCV003442333.3).